The following is an entry in ClinVar:

NM_000051.4(ATM):c.2474T>G (p.Phe825Cys)

Gene: ATM (ATM serine/threonine kinase; plus strand). Cytogenetic location: 11q22.3.
Variant type: single nucleotide variant.
Coding change: c.2474T>G on transcript NM_000051.4 (MANE Select); coding-DNA position 2474, T replaced by G.
Protein change: p.Phe825Cys; replaces phenylalanine 825 with cysteine.
Molecular consequence: missense variant.
Genome position (GRCh38, 1-based): chr11:108,267,178, T>G. VCF-style: chr11-108267178-T-G. GRCh37 (hg19) VCF-style: chr11-108137905-T-G.
Other names: c.2474T>G, p.Phe825Cys (NM_001351834.2); short protein forms F825C.
Identifiers: ClinVar variation 407643 (VCV000407643.26), dbSNP rs1060501648, ClinGen allele CA16613284.
Genomic context (GRCh38, chr11:108,267,178, plus strand): 5'-AGCATGCTCCTGCAAGAAGCCATCTTGAACATCTTTGTTTCTCTTCCTTGAAGGCATCCT[T>G]CATCAAAAAGCCATTTGACCGTGGAGAAGTAGAATCAATGGAAGATGATACTAATGGAAA-3'
Protein context (NP_000042.3, residues 815-835): IADICKSLAS[Phe825Cys]IKKPFDRGEV

ClinVar aggregate classification (germline): Conflicting classifications of pathogenicity. Review status: criteria provided, conflicting classifications (1 of 4 stars). 8 submissions from 8 submitters: Uncertain significance (6); Likely benign (1). 1 of the submissions does not count toward it. Last evaluated 2026-03-04.

Conditions:
Familial cancer of breast. Also called: hereditary breast carcinoma; Hereditary breast cancer; BREAST CANCER, FAMILIAL. Identifiers: Orphanet 227535, MedGen C0346153, MONDO:0016419, OMIM 114480. Disease mechanism: loss of function.
Ataxia-telangiectasia syndrome (AT). Also called: Ataxia telangiectasia (A-T); Cerebello-oculocutaneous telangiectasia; Immunodeficiency with ataxia telangiectasia; AT, COMPLEMENTATION GROUP C; ATAXIA-TELANGIECTASIA, COMPLEMENTATION GROUP A; ATAXIA-TELANGIECTASIA, FRESNO VARIANT. Identifiers: Orphanet 100, MedGen C0004135, MONDO:0008840, OMIM 208900.
Hereditary cancer-predisposing syndrome. Also called: Hereditary neoplastic syndrome; Tumor predisposition; Hereditary Cancer Syndrome; Neoplastic Syndromes, Hereditary. Identifiers: Orphanet 140162, MedGen C0027672, MeSH D009386, MONDO:0015356.
ATM-related cancer predisposition. Also called: ATM-related cancer susceptibility. Identifiers: MedGen CN377759, MONDO:0700270.

Allele frequency attached by ClinVar (database versions not stated): gnomAD 0.00001.
gnomAD v4.1: 1 of 1,613,886 alleles (0.000062%); highest among the groups gnomAD compares: Non-Finnish European, 0.000085%; no homozygotes.

Submissions (8):

Dasa
Classification: Uncertain significance for ATM-related cancer predisposition. Last evaluated: 2026-03-04. Review status: criteria provided, single submitter. Criteria: DASA Assertion Criteria. Collection method: clinical testing. Allele origin: germline.
Comment: NM_000051.4(ATM):c.2474T>G (p.Phe825Cys) is a missense variant that results in the substitution of phenylalanine with cysteine. This variant is rare in population databases. Computational prediction algorithms are consistent with a benign effect. The currently available literature and clinical evidence are not sufficient to establish a definitive association between this variant and the reported condition. Therefore, this variant is classified as a variant of uncertain significance.

Labcorp Genetics (formerly Invitae), Labcorp
Classification: Uncertain significance for Ataxia-telangiectasia syndrome. Last evaluated: 2024-10-01. Review status: criteria provided, single submitter. Criteria: Invitae Variant Classification Sherloc (09022015). Collection method: clinical testing. Allele origin: germline.
Comment: This sequence change replaces phenylalanine, which is neutral and non-polar, with cysteine, which is neutral and slightly polar, at codon 825 of the ATM protein (p.Phe825Cys). This variant is not present in population databases (gnomAD no frequency). This variant has not been reported in the literature in individuals affected with ATM-related conditions. ClinVar contains an entry for this variant (Variation ID: 407643). An algorithm developed to predict the effect of missense changes on protein structure and function outputs the following: PolyPhen-2: "Benign". The cysteine amino acid residue is found in multiple mammalian species, which suggests that this missense change does not adversely affect protein function. In summary, the available evidence is currently insufficient to determine the role of this variant in disease. Therefore, it has been classified as a Variant of Uncertain Significance.

Ambry Genetics
Classification: Likely benign for Hereditary cancer-predisposing syndrome. Last evaluated: 2024-05-28. Review status: criteria provided, single submitter. Criteria: Ambry Variant Classification Scheme 2023. Collection method: clinical testing. Allele origin: germline.

Quest Diagnostics Nichols Institute San Juan Capistrano
Classification: Uncertain significance. Last evaluated: 2023-12-05. Review status: criteria provided, single submitter. Criteria: Quest Diagnostics criteria. Collection method: clinical testing. Allele origin: unknown.
Comment: The ATM c.2474T>G (p.Phe825Cys) variant has been reported in the published literature in a control individual in a large scale breast cancer association study (PMID: 33471991 (2021), see also LOVD). This variant has not been reported in large, multi-ethnic general populations (Genome Aggregation Database). Analysis of this variant using bioinformatics tools for the prediction of the effect of amino acid changes on protein structure and function yielded predictions that this variant is benign. Based on the available information, we are unable to determine the clinical significance of this variant.

Women's Health and Genetics/Laboratory Corporation of America, LabCorp
Classification: Uncertain significance. Last evaluated: 2023-11-22. Review status: criteria provided, single submitter. Criteria: LabCorp Variant Classification Summary - May 2015. Collection method: clinical testing. Allele origin: germline.
Comment: Variant summary: ATM c.2474T>G (p.Phe825Cys) results in a non-conservative amino acid change in the encoded protein sequence. Four of five in-silico tools predict a benign effect of the variant on protein function. The variant was absent in 251296 control chromosomes. The available data on variant occurrences in the general population are insufficient to allow any conclusion about variant significance. To our knowledge, no occurrence of c.2474T>G in individuals affected with ATM-related conditions and no experimental evidence demonstrating its impact on protein function have been reported. Three submitters have cited clinical-significance assessments for this variant to ClinVar after 2014, and all submitters classified the variant as uncertain significance. Based on the evidence outlined above, the variant was classified as uncertain significance.

Baylor Genetics
Classification: Uncertain significance for Familial cancer of breast. Last evaluated: 2023-07-01. Review status: criteria provided, single submitter. Criteria: ACMG Guidelines, 2015. Collection method: clinical testing. Allele origin: unknown.

Color Diagnostics, LLC DBA Color Health
Classification: Uncertain significance for Hereditary cancer-predisposing syndrome. Last evaluated: 2019-05-07. Review status: criteria provided, single submitter. Criteria: ACMG Guidelines, 2015. Collection method: clinical testing. Allele origin: germline.

Department of Pathology and Laboratory Medicine, Sinai Health System
Classification: Uncertain significance for Ataxia-telangiectasia syndrome. Review status: no assertion criteria provided. Collection method: clinical testing. Allele origin: unknown. Affected: yes. Observed: 1 variant allele. Study: The Canadian Open Genetics Repository (COGR). Not counted in ClinVar's aggregate classification.
Comment: The ATM p.Phe825Cys variant was not identified in the literature nor was it identified in the following databases: Cosmic, MutDB, LOVD 3.0 or ATM-LOVD. The variant was identified in dbSNP (ID: rs1060501648) as "With Uncertain significance allele" and ClinVar/Clinvitae (1x, uncertain significance). The variant was not identified in the control databases: the 1000 Genomes Project, the NHLBI GO Exome Sequencing Project, the Exome Aggregation Consortium (August 8th 2016), or the Genome Aggregation Database (Feb 27, 2017). The p.Phe825 residue is not conserved in mammals while the cysteine residue is found in multiple mammalian species; this suggests this missense change does not adversely affect protein function. These predictions have not been confirmed by published functional studies. Four out of five computational analyses (PolyPhen-2, SIFT, AlignGVGD, BLOSUM, MutationTaster) do not suggest a high likelihood of impact to the protein; however, this information is not predictive enough to rule out pathogenicity. The variant occurs outside of the splicing consensus sequence and 1 of 5 in silico or computational prediction software programs (SpliceSiteFinder, MaxEntScan, NNSPLICE, GeneSplicer, HumanSpliceFinder) predict a greater than 10% difference in splicing; this is not very predictive of pathogenicity. In summary, based on the above information the clinical significance of this variant cannot be determined with certainty at this time. This variant is classified as a variant of uncertain significance.

Literature cited by the submitters: PubMed 33471991 (cited by Quest Diagnostics Nichols Institute San Juan Capistrano).